The following is an entry in ClinVar:

NM_000245.4(MET):c.3281A>C (p.His1094Pro)

Gene: MET (MET proto-oncogene, receptor tyrosine kinase; plus strand). Cytogenetic location: 7q31.2.
Variant type: single nucleotide variant.
Coding change: c.3281A>C on transcript NM_000245.4 (MANE Select); coding-DNA position 3281, A replaced by C.
Protein change: p.His1094Pro; replaces histidine 1094 with proline.
Molecular consequence: missense variant.
Genome position (GRCh38, 1-based): chr7:116,777,410, A>C. VCF-style: chr7-116777410-A-C. GRCh37 (hg19) VCF-style: chr7-116417464-A-C.
Other names: c.3335A>C (NM_001127500.1); c.3335A>C, p.His1112Pro (NM_001127500.3); c.1991A>C, p.His664Pro (NM_001324402.2); short protein forms H1094P, H1112P, H664P.
Identifiers: ClinVar variation 1697561 (VCV001697561.9), dbSNP rs121913243, ClinGen allele CA164908384.

ClinVar aggregate classification (germline): Uncertain significance. Review status: criteria provided, multiple submitters, no conflicts (2 of 4 stars). 2 submissions from 2 submitters: Uncertain significance (2). Last evaluated 2025-01-17.

Conditions:
Hereditary cancer-predisposing syndrome. Also called: Hereditary neoplastic syndrome; Tumor predisposition; Neoplastic Syndromes, Hereditary; Hereditary Cancer Syndrome. Identifiers: Orphanet 140162, MedGen C0027672, MeSH D009386, MONDO:0015356.

gnomAD v4.1: 1 of 1,613,868 alleles (0.000062%); highest among the groups gnomAD compares: Non-Finnish European, 0.000085%; no homozygotes.

Submissions (2):

Ambry Genetics
Classification: Uncertain significance for Hereditary cancer-predisposing syndrome. Last evaluated: 2025-01-17. Review status: criteria provided, single submitter. Criteria: Ambry Variant Classification Scheme 2023. Collection method: clinical testing. Allele origin: germline.
Comment: The p.H1112P variant (also known as c.3335A>C), located in coding exon 15 of the MET gene, results from an A to C substitution at nucleotide position 3335. The histidine at codon 1112 is replaced by proline, an amino acid with similar properties. This amino acid position is highly conserved in available vertebrate species. In addition, this alteration is predicted to be deleterious by in silico analysis. Based on the available evidence, the clinical significance of this variant remains unclear.

Center for Genomic Medicine, Rigshospitalet, Copenhagen University Hospital
Classification: Uncertain significance. Last evaluated: 2024-07-31. Review status: criteria provided, single submitter. Criteria: ACMG Guidelines, 2015. Collection method: clinical testing. Allele origin: germline.